The following is an entry in ClinVar:

ClinVar aggregate classification (germline): Conflicting classifications of pathogenicity. Review status: criteria provided, conflicting classifications (1 of 4 stars). 3 submissions from 3 submitters: Likely pathogenic (2); Uncertain significance (1). Last evaluated 2026-01-29.

Conditions:
Polycystic kidney disease 2 (PKD2). Also called: Polycystic Kidney Disease 2, Autosomal Dominant; POLYCYSTIC KIDNEY DISEASE, ADULT, TYPE II; POLYCYSTIC KIDNEY DISEASE 2 WITH OR WITHOUT POLYCYSTIC LIVER DISEASE. Identifiers: MedGen C2751306, MONDO:0013131, OMIM 613095.

Submissions (3):

3billion
Classification: Likely pathogenic for Polycystic kidney disease 2. Last evaluated: 2026-01-29. Review status: criteria provided, single submitter. Criteria: ACMG Guidelines, 2015. Collection method: clinical testing. Allele origin: germline. Affected: yes.
Comment: The variant is not observed in the gnomAD v4.1.0 dataset. Predicted Consequence/Location: Intron variant In silico tools predict the variant to alter splicing and produce an abnormal transcript [SpliceAI: 0.85 (>=0.2, moderate evidence for spliceogenicity)]. The variant has been observed in at least two similarly affected unrelated individuals (PMID: 28356211). The variant has been reported to be associated with PKD2-related disorder (PMID: 28356211 /3billion dataset). Therefore, this variant is classified as Likely pathogenic according to the recommendation of ACMG/AMP guideline.

Victorian Clinical Genetics Services, Murdoch Childrens Research Institute
Classification: Likely pathogenic for Polycystic kidney disease 2. Last evaluated: 2024-10-09. Review status: criteria provided, single submitter. Criteria: ACMG Guidelines, 2015. Collection method: clinical testing. Allele origin: germline. Inheritance: Autosomal dominant inheritance. Affected: yes.
Comment: Based on the classification scheme VCGS_Germline_v1.3.4, this variant is classified as Likely pathogenic. Following criteria are met: 0102 - Loss of function is a known mechanism of disease in this gene and is associated with polycystic kidney disease 2 (ADPKD; MIM#613095). (I) 0107 - This gene is associated with autosomal dominant disease. (I) 0212 - Non-canonical splice site variant without proven consequence on splicing (no functional evidence available). (SP) 0251 - This variant is heterozygous. (I) 0301 - Variant is absent from gnomAD (both v2 and v3). (SP) 0505 - Abnormal splicing is predicted by in silico tools and affected nucleotide is highly conserved. (SP) 0704 - Another splice variant comparable to the one identified in this case has limited previous evidence for pathogenicity. c.2019+5G>T was identified as heterozygous in an individual with ADPKD (PMID: 36938073). (SP) 0803 - This variant has limited previous evidence of pathogenicity in an unrelated individual. It has been identified in a heterozygous individual with ADPKD (PMID: 28356211). In addition, it has been classified as a VUS in ClinVar, however, no clinical information was provided. (SP) 0905 - No published segregation evidence has been identified for this variant. (I) 1007 - No published functional evidence has been identified for this variant. (I) 1208 - Inheritance information for this variant is not currently available in this individual. (I) Legend: (SP) - Supporting pathogenic, (I) - Information, (SB) - Supporting benign

Juno Genomics, Hangzhou Juno Genomics, Inc
Classification: Uncertain significance for Polycystic kidney disease 2. Review status: criteria provided, single submitter. Criteria: ACMG Guidelines, 2015. Collection method: clinical testing. Allele origin: germline. Affected: yes.
Comment: Absent from controls (or at extremely low frequency if recessive) in Genome Aggregation Database, Exome Sequencing Project, 1000 Genomes Project, or Exome Aggregation Consortium.;Multiple lines of computational evidence support a deleterious effect on the gene or gene product (conservation, evolutionary, splicing impact, etc).;Patient's phenotype or family history is highly specific for a disease with a single genetic etiology.

Literature cited by the submitters: PubMed 28356211 (cited by 3billion and Victorian Clinical Genetics Services, Murdoch Childrens Research Institute); PubMed 36938073 (cited by Victorian Clinical Genetics Services, Murdoch Childrens Research Institute).

NM_000297.4(PKD2):c.2019+5G>A

Gene: PKD2 (polycystin 2, transient receptor potential cation channel; plus strand). Cytogenetic location: 4q22.1.
Variant type: single nucleotide variant.
Coding change: c.2019+5G>A on transcript NM_000297.4 (MANE Select); 5 bases into the intron after coding-DNA position 2019, G replaced by A.
Molecular consequence: intron variant.
Genome position (GRCh38, 1-based): chr4:88,058,108, G>A. VCF-style: chr4-88058108-G-A. GRCh37 (hg19) VCF-style: chr4-88979260-G-A.
Identifiers: ClinVar variation 636396 (VCV000636396.5), dbSNP rs1578142944, ClinGen allele CA915943167.
Genomic context (GRCh38, chr4:88,058,108, plus strand): 5'-TTTTGGGACCAATTTATTTCACTACATTTGTGTTCTTTATGTTCTTCATTCTTTTGGTAT[G>A]TACATTTTTATTTATAGTGAGGTTCAATTTAAACTTCGTAAATCCTTGTCTTCTCTTTTC-3'